The following is an entry in ClinVar:

ClinVar aggregate classification (germline): Conflicting classifications of pathogenicity. Review status: criteria provided, conflicting classifications (1 of 4 stars). 2 submissions from 2 submitters: Uncertain significance (1); Likely benign (1). Last evaluated 2023-02-13.

Conditions:
Neurofibromatosis, type 1 (NF1). Also called: Peripheral type neurofibromatosis; VON RECKLINGHAUSEN DISEASE; Neurofibromatosis, type I; NEUROFIBROMATOSIS, TYPE I, SOMATIC. Identifiers: Orphanet 636, MedGen C0027831, MONDO:0018975, OMIM 162200. Disease mechanism: loss of function.
Hereditary cancer-predisposing syndrome. Also called: Tumor predisposition; Hereditary neoplastic syndrome; Neoplastic Syndromes, Hereditary; Hereditary Cancer Syndrome. Identifiers: Orphanet 140162, MedGen C0027672, MeSH D009386, MONDO:0015356.
Cardiovascular phenotype. Identifiers: MedGen CN230736.

Submissions (2):

Ambry Genetics
Classification: Likely benign for Cardiovascular phenotype; Hereditary cancer-predisposing syndrome. Last evaluated: 2023-02-13. Review status: criteria provided, single submitter. Criteria: Ambry Variant Classification Scheme 2023. Collection method: clinical testing. Allele origin: germline.

Labcorp Genetics (formerly Invitae), Labcorp
Classification: Uncertain significance for Neurofibromatosis, type 1. Last evaluated: 2019-09-01. Review status: criteria provided, single submitter. Criteria: Invitae Variant Classification Sherloc (09022015). Collection method: clinical testing. Allele origin: germline.
Comment: This sequence change falls in intron 14 of the NF1 gene. It does not directly change the encoded amino acid sequence of the NF1 protein, but it affects a nucleotide within the consensus splice site of the intron. This variant is not present in population databases (ExAC no frequency). This variant has not been reported in the literature in individuals with NF1-related conditions. Nucleotide substitutions within the consensus splice site are a relatively common cause of aberrant splicing (PMID: 17576681, 9536098). Algorithms developed to predict the effect of sequence changes on RNA splicing suggest that this variant is not likely to affect RNA splicing, but this prediction has not been confirmed by published transcriptional studies. In summary, the available evidence is currently insufficient to determine the role of this variant in disease. Therefore, it has been classified as a Variant of Uncertain Significance.

Literature cited by the submitters: PubMed 17576681 (cited by Labcorp Genetics (formerly Invitae), Labcorp); PubMed 9536098 (cited by Labcorp Genetics (formerly Invitae), Labcorp).

NM_001042492.3(NF1):c.1641+4A>C

Gene: NF1 (neurofibromin 1; plus strand). Cytogenetic location: 17q11.2.
Variant type: single nucleotide variant.
Coding change: c.1641+4A>C on transcript NM_001042492.3 (MANE Select); 4 bases into the intron after coding-DNA position 1641, A replaced by C.
Molecular consequence: intron variant.
Genome position (GRCh38, 1-based): chr17:31,219,122, A>C. VCF-style: chr17-31219122-A-C. GRCh37 (hg19) VCF-style: chr17-29546140-A-C.
Other names: c.1641+4A>C (NM_000267.4, NM_001128147.3).
Identifiers: ClinVar variation 934364 (VCV000934364.9), dbSNP rs1597703610, ClinGen allele CA1139665406.